The following is an entry in ClinVar:

NM_005529.7(HSPG2):c.1921G>A (p.Gly641Arg)

Gene: HSPG2 (heparan sulfate proteoglycan 2; minus strand). Cytogenetic location: 1p36.12.
Variant type: single nucleotide variant.
Coding change: c.1921G>A on transcript NM_005529.7 (MANE Select); coding-DNA position 1921, G replaced by A.
Protein change: p.Gly641Arg; replaces glycine 641 with arginine.
Molecular consequence: missense variant.
Genome position (GRCh38, 1-based): chr1:21,880,733, C>T on the plus strand (G>A on the coding strand, the complement: HSPG2 is on the minus strand). VCF-style: chr1-21880733-C-T. GRCh37 (hg19) VCF-style: chr1-22207226-C-T.
Other names: c.1924G>A, p.Gly642Arg (NM_001291860.2); short protein forms G641R, G642R.
Identifiers: ClinVar variation 5002819 (VCV005002819.1).

ClinVar aggregate classification (germline): Uncertain significance (1 of 4 stars; one submission).

Conditions:
Lethal Kniest-like syndrome (DDSH). Also called: Dyssegmental Dysplasia. Identifiers: Orphanet 1865, MedGen C1857100, MONDO:0009140, OMIM 224410.

gnomAD v4.1: 9 of 1,601,240 alleles (0.00056%); highest among the groups gnomAD compares: Non-Finnish European, 0.00068%; no homozygotes.

Submission:

OLLIN Analises Genomicas, OLLIN
Classification: Uncertain significance for Lethal Kniest-like syndrome. Last evaluated: 2026-08-06. Review status: criteria provided, single submitter. Criteria: ACMG Guidelines 2015 PMID 25741868. Collection method: clinical testing. Allele origin: germline. Inheritance: Autosomal recessive inheritance.
Comment: This missense variant, located in exon 15 (of 97), has been observed in gnomAD with an allele frequency of 0.00056%, but has not been reported in ClinVar or identified in the literature. In silico analysis is inconclusive regarding the impact of this variant. According to the currently available evidence, this variant has been classified as uncertain significance (PM2_P).